The following is an entry in ClinVar:

NM_000135.4(FANCA):c.2970T>G (p.Asp990Glu)

Gene: FANCA (FA complementation group A; minus strand). Cytogenetic location: 16q24.3.
Variant type: single nucleotide variant.
Coding change: c.2970T>G on transcript NM_000135.4 (MANE Select); coding-DNA position 2970, T replaced by G.
Protein change: p.Asp990Glu; replaces aspartic acid 990 with glutamic acid.
Molecular consequence: missense variant.
Genome position (GRCh38, 1-based): chr16:89,758,588, A>C on the plus strand (T>G on the coding strand, the complement: FANCA is on the minus strand). VCF-style: chr16-89758588-A-C. GRCh37 (hg19) VCF-style: chr16-89824996-A-C.
Other names: c.2970T>G, p.Asp990Glu (NM_001286167.3); short protein forms D990E.
Identifiers: ClinVar variation 5036398 (VCV005036398.1).

ClinVar aggregate classification (germline): Uncertain significance (1 of 4 stars; one submission).

Conditions:
Inborn genetic diseases. Identifiers: MedGen C0950123, MeSH D030342.

Submission:

Ambry Genetics
Classification: Uncertain significance for Inborn genetic diseases. Last evaluated: 2026-08-08. Review status: criteria provided, single submitter. Criteria: Ambry Variant Classification Scheme 2023. Collection method: clinical testing. Allele origin: germline.
Comment: The p.D990E variant (also known as c.2970T>G), located in coding exon 30 of the FANCA gene, results from a T to G substitution at nucleotide position 2970. The aspartic acid at codon 990 is replaced by glutamic acid, an amino acid with highly similar properties. This amino acid position is conserved. In addition, the in silico prediction for this alteration is inconclusive. Based on the available evidence, the clinical significance of this variant remains unclear.